The following is an entry in ClinVar:

ClinVar aggregate classification (germline): Likely benign. Review status: criteria provided, multiple submitters, no conflicts (2 of 4 stars). 2 submissions from 2 submitters: Likely benign (2). Last evaluated 2018-06-16.

Allele frequency attached by ClinVar (database versions not stated): TOPMed 0.00438; gnomAD 0.00472 and 0.00545; ESP Exome Variant Server 0.00606; 1000 Genomes Project 30x 0.00957; 1000 Genomes Project 0.01139.
gnomAD v4.1: 10,273 of 1,170,159 alleles (0.88%); highest among the groups gnomAD compares: South Asian, 3.6%; 50 homozygotes.

Submissions (2):

GeneDx
Classification: Likely benign. Last evaluated: 2018-06-16. Review status: criteria provided, single submitter. Criteria: GeneDx Variant Classification (06012015). Collection method: clinical testing. Allele origin: germline. Affected: yes.
Comment: This variant is considered likely benign or benign based on one or more of the following criteria: it is a conservative change, it occurs at a poorly conserved position in the protein, it is predicted to be benign by multiple in silico algorithms, and/or has population frequency not consistent with disease.

Breakthrough Genomics
Classification: Likely benign. Review status: criteria provided, single submitter. Criteria: ACMG Guidelines, 2015. Collection method: not provided. Allele origin: germline. Inheritance: X-linked inheritance. Affected: yes.

NM_004006.3(DMD):c.1331+26A>G

Gene: DMD (dystrophin; minus strand). Cytogenetic location: Xp21.1.
Variant type: single nucleotide variant.
Coding change: c.1331+26A>G on transcript NM_004006.3 (MANE Select); 26 bases into the intron after coding-DNA position 1331, A replaced by G.
Molecular consequence: intron variant.
Genome position (GRCh38, 1-based): chrX:32,644,106, T>C on the plus strand (A>G on the coding strand, the complement: DMD is on the minus strand). VCF-style: chrX-32644106-T-C. GRCh37 (hg19) VCF-style: chrX-32662223-T-C.
Other names: c.1307+26A>G (NM_000109.4); c.1319+26A>G (NM_004009.3); c.962+26A>G (NM_004010.3).
Identifiers: ClinVar variation 674245 (VCV000674245.2), dbSNP rs41303189, ClinGen allele CA147805.